The following is an entry in ClinVar:

ClinVar aggregate classification (germline): Uncertain significance. Review status: criteria provided, multiple submitters, no conflicts (2 of 4 stars). 2 submissions from 2 submitters: Uncertain significance (2). Last evaluated 2025-12-30.

Conditions:
Early Myoclonic Encephalopathy. Identifiers: MedGen C0270855.

Allele frequency attached by ClinVar (database versions not stated): gnomAD 0.00001; gnomAD exomes 0.00001 and 0.00003; TOPMed 0.00001; ExAC 0.00004.
gnomAD v4.1: 20 of 1,613,824 alleles (0.0012%); highest among the groups gnomAD compares: East Asian, 0.022%; no homozygotes.

Submissions (2):

Labcorp Genetics (formerly Invitae), Labcorp
Classification: Uncertain significance for Early Myoclonic Encephalopathy. Last evaluated: 2025-12-30. Review status: criteria provided, single submitter. Criteria: Invitae Variant Classification Sherloc (09022015). Collection method: clinical testing. Allele origin: germline.
Comment: This sequence change replaces asparagine, which is neutral and polar, with serine, which is neutral and polar, at codon 586 of the JMJD1C protein (p.Asn586Ser). This variant is present in population databases (rs758060444, gnomAD 0.03%). This variant has not been reported in the literature in individuals affected with JMJD1C-related conditions. ClinVar contains an entry for this variant (Variation ID: 1404850). Invitae Evidence Modeling of protein sequence and biophysical properties (such as structural, functional, and spatial information, amino acid conservation, physicochemical variation, residue mobility, and thermodynamic stability) indicates that this missense variant is not expected to disrupt JMJD1C protein function with a negative predictive value of 80%. In summary, the available evidence is currently insufficient to determine the role of this variant in disease. Therefore, it has been classified as a Variant of Uncertain Significance.

Ambry Genetics
Classification: Uncertain significance. Last evaluated: 2023-02-27. Review status: criteria provided, single submitter. Criteria: Ambry Variant Classification Scheme 2023. Collection method: clinical testing. Allele origin: germline.

NM_032776.3(JMJD1C):c.1757A>G (p.Asn586Ser)

Gene: JMJD1C (jumonji domain containing 1C; minus strand). Cytogenetic location: 10q21.3.
Variant type: single nucleotide variant.
Coding change: c.1757A>G on transcript NM_032776.3 (MANE Select); coding-DNA position 1757, A replaced by G.
Protein change: p.Asn586Ser; replaces asparagine 586 with serine.
Molecular consequence: missense variant. On other transcripts: non-coding transcript variant (1).
Genome position (GRCh38, 1-based): chr10:63,214,410, T>C on the plus strand (A>G on the coding strand, the complement: JMJD1C is on the minus strand). VCF-style: chr10-63214410-T-C. GRCh37 (hg19) VCF-style: chr10-64974170-T-C.
Other names: c.1757A>G (NM_032776.1); c.1211A>G, p.Asn404Ser (NM_001282948.2, NM_001318154.2); c.893A>G, p.Asn298Ser (NM_001318153.2); c.1643A>G, p.Asn548Ser (NM_001322252.2); c.1100A>G, p.Asn367Ser (NM_001322254.2, NM_001322258.2); short protein forms N298S, N367S, N404S, N548S, N586S.
Identifiers: ClinVar variation 1404850 (VCV001404850.10), dbSNP rs758060444, ClinGen allele CA5518752.
Genomic context (GRCh38, chr10:63,214,410, plus strand): 5'-ACTGCACTTAAAGGAGAAATGTAAGAGACATACTTCTCTTTTTCCATGTTCAAGTGATCA[T>C]TTCCTGAAGAAGCATTTGTAACACTTGATTGGGTTAGATCCACTTTAACTACATCACTGA-3'
Protein context (NP_116165.1, residues 576-596): QSSVTNASSG[Asn586Ser]DHLNMEKEKY